The following is an entry in ClinVar:

ClinVar aggregate classification (germline): Uncertain significance (1 of 4 stars; one submission).

Conditions:
Hereditary breast ovarian cancer syndrome. Also called: Hereditary breast and ovarian cancer syndrome (HBOC); Hereditary breast and ovarian cancer syndrome; Hereditary breast and/or ovarian cancer syndrome; Hereditary breast and ovarian cancer; Breast and ovarian cancer; BRCA1- and BRCA2-Associated Hereditary Breast and Ovarian Cancer. Identifiers: Orphanet 145, MedGen C0677776, MeSH D061325, MONDO:0003582. Disease mechanism: loss of function.

Submission:

Labcorp Genetics (formerly Invitae), Labcorp
Classification: Uncertain significance for Hereditary breast ovarian cancer syndrome. Last evaluated: 2024-05-04. Review status: criteria provided, single submitter. Criteria: Invitae Variant Classification Sherloc (09022015). Collection method: clinical testing. Allele origin: germline.
Comment: This sequence change replaces cysteine, which is neutral and slightly polar, with arginine, which is basic and polar, at codon 616 of the BRCA2 protein (p.Cys616Arg). This variant is not present in population databases (gnomAD no frequency). This variant has not been reported in the literature in individuals affected with BRCA2-related conditions. Advanced modeling of protein sequence and biophysical properties (such as structural, functional, and spatial information, amino acid conservation, physicochemical variation, residue mobility, and thermodynamic stability) performed at Invitae indicates that this missense variant is not expected to disrupt BRCA2 protein function with a negative predictive value of 95%. In summary, the available evidence is currently insufficient to determine the role of this variant in disease. Therefore, it has been classified as a Variant of Uncertain Significance.

NM_000059.4(BRCA2):c.1846T>C (p.Cys616Arg)

Gene: BRCA2 (BRCA2 DNA repair associated; plus strand). Cytogenetic location: 13q13.1.
Variant type: single nucleotide variant.
Coding change: c.1846T>C on transcript NM_000059.4 (MANE Select); coding-DNA position 1846, T replaced by C.
Protein change: p.Cys616Arg; replaces cysteine 616 with arginine.
Molecular consequence: missense variant. On other transcripts: non-coding transcript variant (1), intron variant (1).
Genome position (GRCh38, 1-based): chr13:32,333,324, T>C. VCF-style: chr13-32333324-T-C. GRCh37 (hg19) VCF-style: chr13-32907461-T-C.
Other names: c.1846T>C, p.Cys616Arg (NM_001406719.1, NM_001406720.1, NM_001406721.1); c.424+2294T>C (NM_001406722.1); short protein forms C616R.
Identifiers: ClinVar variation 2854655 (VCV002854655.3), dbSNP rs2137475583, ClinGen allele CA387766344.